The following is an entry in ClinVar:

ClinVar aggregate classification (germline): Uncertain significance (1 of 4 stars; one submission).

Submission:

Labcorp Genetics (formerly Invitae), Labcorp
Classification: Uncertain significance. Last evaluated: 2025-09-07. Review status: criteria provided, single submitter. Criteria: Invitae Variant Classification Sherloc (09022015). Collection method: clinical testing. Allele origin: germline.
Comment: This sequence change replaces leucine, which is neutral and non-polar, with phenylalanine, which is neutral and non-polar, at codon 246 of the TYRP1 protein (p.Leu246Phe). This variant is not present in population databases (gnomAD no frequency). This variant has not been reported in the literature in individuals affected with TYRP1-related conditions. Invitae Evidence Modeling of protein sequence and biophysical properties (such as structural, functional, and spatial information, amino acid conservation, physicochemical variation, residue mobility, and thermodynamic stability) indicates that this missense variant is not expected to disrupt TYRP1 protein function with a negative predictive value of 80%. In summary, the available evidence is currently insufficient to determine the role of this variant in disease. Therefore, it has been classified as a Variant of Uncertain Significance.

NM_000550.3(TYRP1):c.736C>T (p.Leu246Phe)

Gene: TYRP1 (tyrosinase related protein 1; plus strand). Cytogenetic location: 9p23.
Variant type: single nucleotide variant.
Coding change: c.736C>T on transcript NM_000550.3 (MANE Select); coding-DNA position 736, C replaced by T.
Protein change: p.Leu246Phe; replaces leucine 246 with phenylalanine.
Molecular consequence: missense variant.
Genome position (GRCh38, 1-based): chr9:12,698,478, C>T. VCF-style: chr9-12698478-C-T. GRCh37 (hg19) VCF-style: chr9-12698478-C-T.
Other names: short protein forms L246F.
Identifiers: ClinVar variation 4745041 (VCV004745041.1).